The following is an entry in ClinVar:

ClinVar aggregate classification (germline): Uncertain significance (1 of 4 stars; one submission).

Submission:

GeneDx
Classification: Uncertain significance. Last evaluated: 2022-10-23. Review status: criteria provided, single submitter. Criteria: GeneDx Variant Classification Process June 2021. Collection method: clinical testing. Allele origin: germline. Affected: yes.
Comment: Not observed at significant frequency in large population cohorts (gnomAD); In silico analysis supports that this missense variant has a deleterious effect on protein structure/function; Also known as p.(P1024L); Has not been previously published as pathogenic or benign to our knowledge

NM_001243133.2(NLRP3):c.3071C>T (p.Pro1024Leu)

Gene: NLRP3 (NLR family pyrin domain containing 3; plus strand). Cytogenetic location: 1q44.
Variant type: single nucleotide variant.
Coding change: c.3071C>T on transcript NM_001243133.2 (MANE Select); coding-DNA position 3071, C replaced by T.
Protein change: p.Pro1024Leu; replaces proline 1024 with leucine.
Molecular consequence: missense variant.
Genome position (GRCh38, 1-based): chr1:247,448,470, C>T. VCF-style: chr1-247448470-C-T. GRCh37 (hg19) VCF-style: chr1-247611772-C-T.
Other names: c.3071C>T, p.Pro1024Leu (NM_001079821.3); c.2900C>T, p.Pro967Leu (NM_001127461.3, NM_001127462.3); c.3077C>T, p.Pro1026Leu (NM_004895.5); c.2729C>T, p.Pro910Leu (NM_183395.3); short protein forms P1024L, P1026L, P910L, P967L.
Identifiers: ClinVar variation 2499966 (VCV002499966.1), dbSNP rs2527520994, ClinGen allele CA345567003.